The following is an entry in ClinVar:

ClinVar aggregate classification (germline): Likely benign (1 of 4 stars; one submission).

gnomAD v4.1: 350 of 1,596,858 alleles (0.022%); highest among the groups gnomAD compares: African/African-American, 0.37%; no homozygotes.

Submission:

CeGaT Center for Human Genetics Tuebingen
Classification: Likely benign. Last evaluated: 2025-06-01. Review status: criteria provided, single submitter. Criteria: CeGaT Center For Human Genetics Tuebingen Variant Classification Criteria Version 2. Collection method: clinical testing. Allele origin: germline. Affected: yes. Observed: 1 variant allele.
Comment: DOCK4: BP4, BP7

NM_001363540.2(DOCK4):c.60C>T (p.Thr20=)

Gene: DOCK4 (dedicator of cytokinesis 4; minus strand). Cytogenetic location: 7q31.1.
Variant type: single nucleotide variant.
Coding change: c.60C>T on transcript NM_001363540.2 (MANE Select); coding-DNA position 60, C replaced by T.
Protein change: p.Thr20=; no amino-acid change (threonine 20 retained).
Molecular consequence: synonymous variant.
Genome position (GRCh38, 1-based): chr7:112,004,109, G>A on the plus strand (C>T on the coding strand, the complement: DOCK4 is on the minus strand). VCF-style: chr7-112004109-G-A. GRCh37 (hg19) VCF-style: chr7-111644164-G-A.
Other names: c.60C>T, p.Thr20= (NM_014705.4).
Identifiers: ClinVar variation 3905115 (VCV003905115.10).